The following is an entry in ClinVar:

NM_014484.5(MOCS3):c.897T>C (p.Ala299=)

Gene: MOCS3 (molybdenum cofactor synthesis 3; plus strand). Cytogenetic location: 20q13.13.
Variant type: single nucleotide variant.
Coding change: c.897T>C on transcript NM_014484.5 (MANE Select); coding-DNA position 897, T replaced by C.
Protein change: p.Ala299=; no amino-acid change (alanine 299 retained).
Molecular consequence: synonymous variant.
Genome position (GRCh38, 1-based): chr20:50,959,739, T>C. VCF-style: chr20-50959739-T-C. GRCh37 (hg19) VCF-style: chr20-49576276-T-C.
Identifiers: ClinVar variation 2013055 (VCV002013055.4), dbSNP rs2515744548, ClinGen allele CA511023019.

ClinVar aggregate classification (germline): Uncertain significance (1 of 4 stars; one submission).

Submission:

Labcorp Genetics (formerly Invitae), Labcorp
Classification: Uncertain significance. Last evaluated: 2022-09-13. Review status: criteria provided, single submitter. Criteria: Invitae Variant Classification Sherloc (09022015). Collection method: clinical testing. Allele origin: germline.
Comment: This sequence change affects codon 299 of the MOCS3 mRNA. It is a 'silent' change, meaning that it does not change the encoded amino acid sequence of the MOCS3 protein. This variant is not present in population databases (gnomAD no frequency). This variant has not been reported in the literature in individuals affected with MOCS3-related conditions. In summary, the available evidence is currently insufficient to determine the role of this variant in disease. Therefore, it has been classified as a Variant of Uncertain Significance.